The following is an entry in ClinVar:

NM_000371.4(TTR):c.160A>G (p.Arg54Gly)

Gene: TTR (transthyretin; plus strand). Cytogenetic location: 18q12.1.
Variant type: single nucleotide variant.
Coding change: c.160A>G on transcript NM_000371.4 (MANE Select); coding-DNA position 160, A replaced by G.
Protein change: p.Arg54Gly; replaces arginine 54 with glycine.
Molecular consequence: missense variant.
Genome position (GRCh38, 1-based): chr18:31,592,986, A>G. VCF-style: chr18-31592986-A-G. GRCh37 (hg19) VCF-style: chr18-29172949-A-G.
Other names: short protein forms R54G.
Identifiers: ClinVar variation 660385 (VCV000660385.9), dbSNP rs1598844184, ClinGen allele CA402156791.
Genomic context (GRCh38, chr18:31,592,986, plus strand): 5'-GTCAAAGTTCTAGATGCTGTCCGAGGCAGTCCTGCCATCAATGTGGCCGTGCATGTGTTC[A>G]GAAAGGCTGCTGATGACACCTGGGAGCCATTTGCCTCTGGGTAAGTTGCCAAAGAACCCT-3'
Protein context (NP_000362.1, residues 44-64): PAINVAVHVF[Arg54Gly]KAADDTWEPF

ClinVar aggregate classification (germline): Pathogenic (1 of 4 stars; one submission).

Conditions:
Amyloidosis, hereditary systemic 1 (AMYLD1). Also called: Familial amyloid polyneuropathy; Transthyretin Amyloidosis; Hereditary oculoleptomeningeal amyloid angiopathy; Familial Transthyretin Amyloidosis; Isolated Cardiac Amyloidosis; Amyloid Cardiomyopathy, Transthyretin-related. Identifiers: Orphanet 85447, Orphanet 85451, MedGen C2751492, MONDO:0971004, OMIM 105210.

Submission:

Labcorp Genetics (formerly Invitae), Labcorp
Classification: Pathogenic for Amyloidosis, hereditary systemic 1. Last evaluated: 2024-08-08. Review status: criteria provided, single submitter. Criteria: Invitae Variant Classification Sherloc (09022015). Collection method: clinical testing. Allele origin: germline.
Comment: This sequence change replaces arginine, which is basic and polar, with glycine, which is neutral and non-polar, at codon 54 of the TTR protein (p.Arg54Gly). This variant is not present in population databases (gnomAD no frequency). This missense change has been observed in individual(s) with hereditary transthyretin-mediated amyloidosis (hATTR amyloidosis) (PMID: 22187309, 22973891; Invitae). It has also been observed to segregate with disease in related individuals. This variant is also known as Arg34Gly. ClinVar contains an entry for this variant (Variation ID: 660385). Advanced modeling of protein sequence and biophysical properties (such as structural, functional, and spatial information, amino acid conservation, physicochemical variation, residue mobility, and thermodynamic stability) performed at Invitae indicates that this missense variant is expected to disrupt TTR protein function with a positive predictive value of 95%. This variant disrupts the p.Arg54 amino acid residue in TTR. Other variant(s) that disrupt this residue have been determined to be pathogenic (PMID: 9605286, 21692911, 22745357). This suggests that this residue is clinically significant, and that variants that disrupt this residue are likely to be disease-causing. For these reasons, this variant has been classified as Pathogenic.

Literature cited by the submitters: PubMed 22187309; PubMed 22973891; PubMed 9605286; PubMed 21692911; PubMed 22745357.